The following is an entry in ClinVar:

ClinVar aggregate classification (germline): Pathogenic (1 of 4 stars; one submission).

Submission:

ARUP Laboratories, Molecular Genetics and Genomics, ARUP Laboratories
Classification: Pathogenic. Last evaluated: 2021-05-22. Review status: criteria provided, single submitter. Criteria: ARUP Molecular Germline Variant Investigation Process 2021. Collection method: clinical testing. Allele origin: germline.
Comment: The TSC2 c.4883dupA; p.Asp1629GlyfsTer24 variant, to our knowledge, is not reported in the medical literature or gene specific databases. This variant is also absent from the Genome Aggregation Database, indicating it is not a common polymorphism. This variant causes a frameshift by inserting a single nucleotide, so it is predicted to result in a truncated protein or mRNA subject to nonsense-mediated decay. Additionally, several downstream truncating variants have been described in individuals with tuberous sclerosis complex and are considered pathogenic (Ding 2020, Sancak 2005). Based on available information, this variant is considered to be pathogenic. References: Ding Y et al. Genotype and Phenotype Analysis of Chinese Children With Tuberous Sclerosis Complex: A Pediatric Cohort Study. Front Genet. 2020 Mar 10;11:204. PMID: 32211034. Sancak O et al. Mutational analysis of the TSC1 and TSC2 genes in a diagnostic setting: genotype--phenotype correlations and comparison of diagnostic DNA techniques in Tuberous Sclerosis Complex. Eur J Hum Genet. 2005 Jun;13(6):731-41. PMID: 15798777.

NM_000548.5(TSC2):c.4883dup (p.Asp1629fs)

Gene: TSC2 (TSC complex subunit 2; plus strand). Cytogenetic location: 16p13.3.
Variant type: Duplication.
Coding change: c.4883dup on transcript NM_000548.5 (MANE Select); coding-DNA position 4883, one base duplicated (A; older notation c.4883dupA).
Protein change: p.Asp1629fs; shifts the reading frame from aspartic acid 1629.
Molecular consequence: frameshift variant.
Genome position (GRCh38, 1-based): chr16:2,086,765, A duplicated; the last of 2 consecutive A bases (chr16:2,086,764-2,086,765); duplicating either gives the same sequence. VCF-style (leftmost placement, unchanged base first): chr16-2086763-C-CA. GRCh37 (hg19) VCF-style: chr16-2136764-C-CA.
Other names: c.4682dup, p.Asp1562fs (NM_001077183.3); c.4814dup, p.Asp1606fs (NM_001114382.3); c.4574dup, p.Asp1526fs (NM_001318827.2); c.4538dup, p.Asp1514fs (NM_001318829.2); c.4151dup, p.Asp1385fs (NM_001318831.2); c.4715dup, p.Asp1573fs (NM_001318832.2); c.4685dup, p.Asp1563fs (NM_001363528.2); c.4751dup, p.Asp1585fs (NM_001370404.1); and 1 more; short protein forms D1385fs, D1514fs, D1526fs, D1562fs, D1563fs, D1573fs, D1585fs, D1586fs.
Identifiers: ClinVar variation 1330745 (VCV001330745.7), dbSNP rs2151585265, ClinGen allele CA2573054166.
Genomic context (GRCh38, chr16:2,086,763, plus strand): 5'-CAAACCCATCCGGCCCTGCTCACCCTCAGCCGTCTTCCACATCGCCACCCTGATGCCCAC[C>CA]AAGGACGTGGACAAGCACCGCTGCGACAAGAAGCGCCACCTGGGCAACGACTTTGTGTCC-3'